The following is an entry in ClinVar:

ClinVar aggregate classification (germline): Uncertain significance (1 of 4 stars; one submission).

Allele frequency attached by ClinVar (database versions not stated): gnomAD 0.00001; gnomAD exomes 0.00001; TOPMed 0.00001; ExAC 0.00002.
gnomAD v4.1: 10 of 1,613,626 alleles (0.00062%); highest among the groups gnomAD compares: South Asian, 0.0022%; no homozygotes.

Submission:

Labcorp Genetics (formerly Invitae), Labcorp
Classification: Uncertain significance. Last evaluated: 2023-07-03. Review status: criteria provided, single submitter. Criteria: Invitae Variant Classification Sherloc (09022015). Collection method: clinical testing. Allele origin: germline.
Comment: This sequence change replaces arginine, which is basic and polar, with cysteine, which is neutral and slightly polar, at codon 173 of the MTOR protein (p.Arg173Cys). This variant is present in population databases (rs748631718, gnomAD 0.007%). This variant has not been reported in the literature in individuals affected with MTOR-related conditions. Advanced modeling of protein sequence and biophysical properties (such as structural, functional, and spatial information, amino acid conservation, physicochemical variation, residue mobility, and thermodynamic stability) performed at Invitae indicates that this missense variant is not expected to disrupt MTOR protein function. In summary, the available evidence is currently insufficient to determine the role of this variant in disease. Therefore, it has been classified as a Variant of Uncertain Significance.

NM_004958.4(MTOR):c.517C>T (p.Arg173Cys)

Gene: MTOR (mechanistic target of rapamycin kinase; minus strand). Cytogenetic location: 1p36.22.
Variant type: single nucleotide variant.
Coding change: c.517C>T on transcript NM_004958.4 (MANE Select); coding-DNA position 517, C replaced by T.
Protein change: p.Arg173Cys; replaces arginine 173 with cysteine.
Molecular consequence: missense variant. On other transcripts: 5 prime UTR variant (1).
Genome position (GRCh38, 1-based): chr1:11,256,180, G>A on the plus strand (C>T on the coding strand, the complement: MTOR is on the minus strand). VCF-style: chr1-11256180-G-A. GRCh37 (hg19) VCF-style: chr1-11316237-G-A.
Other names: c.517C>T, p.Arg173Cys (NM_001386500.1); c.-623C>T (NM_001386501.1); short protein forms R173C.
Identifiers: ClinVar variation 2999868 (VCV002999868.3), dbSNP rs748631718, ClinGen allele CA590914.
Genomic context (GRCh38, chr1:11,256,180, plus strand): 5'-TGTCAAAGAAGGGTTGCACTTGCTGGAAGAAGAAGGTAGGGACGCTGATGGCCAGCTCAC[G>A]GAGAACCAGGACCTGGAGAAAAAAGCAAACCGAGAACTCTCATTGGTACCAGAGTTTTGT-3'
Protein context (NP_004949.1, residues 163-183): GRRHAAVLVL[Arg173Cys]ELAISVPTFF